The following is an entry in ClinVar:

ClinVar aggregate classification (germline): Likely benign. Review status: criteria provided, multiple submitters, no conflicts (2 of 4 stars). 2 submissions from 2 submitters: Likely benign (2). Last evaluated 2026-04-02.

Conditions:
DNMT3B-related disorder. Also called: DNMT3B-related condition.
Centromeric instability of chromosomes 1,9 and 16 and immunodeficiency (ICF1). Also called: Immunodeficiency-centromeric instability-facial anomalies; CENTROMERIC INSTABILITY, IMMUNODEFICIENCY SYNDROME; IMMUNE DEFICIENCY, VARIABLE, WITH CENTROMERIC INSTABILITY OF CHROMOSOMES 1, 9, AND 16; IMMUNODEFICIENCY SYNDROME, VARIABLE. Identifiers: Orphanet 2268, MedGen C0398788, MONDO:0000133.

Allele frequency attached by ClinVar (database versions not stated): gnomAD exomes 0.00002 and 0.00004; TOPMed 0.00002; gnomAD 0.00003 and 0.00004; ExAC 0.00004; ESP Exome Variant Server 0.00008.
gnomAD v4.1: 38 of 1,613,978 alleles (0.0024%); highest among the groups gnomAD compares: Middle Eastern, 0.016%; no homozygotes.

Submissions (2):

PreventionGenetics, part of Exact Sciences
Classification: Likely benign for DNMT3B-related condition. Last evaluated: 2026-04-02. Review status: criteria provided, single submitter. Criteria: ACMG Guidelines, 2015. Collection method: clinical testing. Allele origin: germline.
Comment: This variant is classified as likely benign based on ACMG/AMP sequence variant interpretation guidelines (Richards et al. 2015 PMID: 25741868, with internal and published modifications).

Labcorp Genetics (formerly Invitae), Labcorp
Classification: Likely benign for Centromeric instability of chromosomes 1,9 and 16 and immunodeficiency. Last evaluated: 2025-12-16. Review status: criteria provided, single submitter. Criteria: Invitae Variant Classification Sherloc (09022015). Collection method: clinical testing. Allele origin: germline.

NM_006892.4(DNMT3B):c.216C>T (p.Gly72=)

Gene: DNMT3B (DNA methyltransferase 3 beta; plus strand). Cytogenetic location: 20q11.21.
Variant type: single nucleotide variant.
Coding change: c.216C>T on transcript NM_006892.4 (MANE Select); coding-DNA position 216, C replaced by T.
Protein change: p.Gly72=; no amino-acid change (glycine 72 retained).
Molecular consequence: synonymous variant. On other transcripts: intron variant (1).
Genome position (GRCh38, 1-based): chr20:32,784,769, C>T. VCF-style: chr20-32784769-C-T. GRCh37 (hg19) VCF-style: chr20-31372575-C-T.
Other names: c.216C>T, p.Gly72= (NM_001207055.2, NM_175848.2, NM_175849.2); c.252C>T, p.Gly84= (NM_175850.3); c.205-2461C>T (NM_001207056.2).
Identifiers: ClinVar variation 567233 (VCV000567233.12), dbSNP rs369090434, ClinGen allele CA9810101.